The following is an entry in ClinVar:

ClinVar aggregate classification (germline): Uncertain significance. Review status: criteria provided, multiple submitters, no conflicts (2 of 4 stars). 2 submissions from 2 submitters: Uncertain significance (2). Last evaluated 2023-03-20.

Conditions:
Fanconi anemia (FA). Also called: Fanconi's anemia. Identifiers: Orphanet 84, MedGen C0015625, MeSH D005199, MONDO:0019391.

Allele frequency attached by ClinVar (database versions not stated): gnomAD exomes below 0.00001; gnomAD 0.00002; TOPMed 0.00005.
gnomAD v4.1: 9 of 1,613,958 alleles (0.00056%); highest among the groups gnomAD compares: African/African-American, 0.004%; no homozygotes.

Submissions (2):

Labcorp Genetics (formerly Invitae), Labcorp
Classification: Uncertain significance for Fanconi anemia. Last evaluated: 2023-03-20. Review status: criteria provided, single submitter. Criteria: Invitae Variant Classification Sherloc (09022015). Collection method: clinical testing. Allele origin: germline.
Comment: This variant has not been reported in the literature in individuals affected with SLX4-related conditions. In summary, the available evidence is currently insufficient to determine the role of this variant in disease. Therefore, it has been classified as a Variant of Uncertain Significance. Algorithms developed to predict the effect of missense changes on protein structure and function output the following: SIFT: "Not Available"; PolyPhen-2: "Possibly Damaging"; Align-GVGD: "Not Available". The arginine amino acid residue is found in multiple mammalian species, which suggests that this missense change does not adversely affect protein function. ClinVar contains an entry for this variant (Variation ID: 1691997). This variant is present in population databases (no rsID available, gnomAD 0.007%). This sequence change replaces serine, which is neutral and polar, with arginine, which is basic and polar, at codon 445 of the SLX4 protein (p.Ser445Arg).

Sema4
Classification: Uncertain significance for Fanconi anemia. Last evaluated: 2022-01-05. Review status: criteria provided, single submitter. Criteria: Sema4 Curation Guidelines. Collection method: curation. Allele origin: germline.
Comment: The SLX4 c.1335T>G (p.S445R) variant has not been reported in the literature to our knowledge. It was observed in 1/251046 chromosomes across all subpopulations in the large and broad cohorts of the Genome Aggregation Database (PMID: 32461654). The variant has not been reported in ClinVar. In silico tools suggest the impact of the variant on protein function is benign, though these predictions have not been confirmed by functional studies. The evidence is insufficient to meet ACMG/AMP criteria for classifying the variant as benign or pathogenic. Thus, the clinical significance of this variant is currently uncertain.

NM_032444.4(SLX4):c.1335T>G (p.Ser445Arg)

Gene: SLX4 (SLX4 structure-specific endonuclease subunit; minus strand). Cytogenetic location: 16p13.3.
Variant type: single nucleotide variant.
Coding change: c.1335T>G on transcript NM_032444.4 (MANE Select); coding-DNA position 1335, T replaced by G.
Protein change: p.Ser445Arg; replaces serine 445 with arginine.
Molecular consequence: missense variant.
Genome position (GRCh38, 1-based): chr16:3,597,828, A>C on the plus strand (T>G on the coding strand, the complement: SLX4 is on the minus strand). VCF-style: chr16-3597828-A-C. GRCh37 (hg19) VCF-style: chr16-3647829-A-C.
Other names: short protein forms S445R.
Identifiers: ClinVar variation 1691997 (VCV001691997.4), dbSNP rs904007909, ClinGen allele CA276964665.